The following is an entry in ClinVar:

ClinVar aggregate classification (germline): Uncertain significance (1 of 4 stars; one submission).

Conditions:
Hereditary sensory and autonomic neuropathy type 6. Also called: HSAN VI; Neuropathy, hereditary sensory and autonomic, type VI. Identifiers: Orphanet 314381, MedGen C3539003, MONDO:0013839, OMIM 614653.
Epidermolysis bullosa simplex 3, localized or generalized intermediate, with BP230 deficiency (EBS3). Also called: Epidermolysis bullosa simplex, autosomal recessive 2; Epidermolysis bullosa simplex due to BP230 deficiency. Identifiers: Orphanet 412181, MedGen C3809470, MONDO:0014180, OMIM 615425.

Allele frequency attached by ClinVar (database versions not stated): gnomAD exomes 0.00001 and 0.00003; ExAC 0.00003; TOPMed 0.00005; gnomAD 0.00006; ESP Exome Variant Server 0.00015.
gnomAD v4.1: 26 of 1,614,006 alleles (0.0016%); highest among the groups gnomAD compares: African/African-American, 0.011%; 1 homozygote.

Submission:

Labcorp Genetics (formerly Invitae), Labcorp
Classification: Uncertain significance for Epidermolysis bullosa simplex 3, localized or generalized intermediate, with BP230 deficiency; Hereditary sensory and autonomic neuropathy type 6. Last evaluated: 2022-11-01. Review status: criteria provided, single submitter. Criteria: Invitae Variant Classification Sherloc (09022015). Collection method: clinical testing. Allele origin: germline.
Comment: This sequence change replaces arginine, which is basic and polar, with cysteine, which is neutral and slightly polar, at codon 2467 of the DST protein (p.Arg2467Cys). This variant is present in population databases (rs140472004, gnomAD 0.01%). This variant has not been reported in the literature in individuals affected with DST-related conditions. ClinVar contains an entry for this variant (Variation ID: 1026243). Algorithms developed to predict the effect of missense changes on protein structure and function (SIFT, PolyPhen-2, Align-GVGD) all suggest that this variant is likely to be disruptive. In summary, the available evidence is currently insufficient to determine the role of this variant in disease. Therefore, it has been classified as a Variant of Uncertain Significance.

NM_001723.7(DST):c.7399C>T (p.Arg2467Cys)

Gene: DST (dystonin; minus strand). Cytogenetic location: 6p12.1.
Variant type: single nucleotide variant.
Coding change: c.7399C>T on transcript NM_001723.7 (MANE Plus Clinical); coding-DNA position 7399, C replaced by T.
Protein change: p.Arg2467Cys; replaces arginine 2467 with cysteine.
Molecular consequence: missense variant. On other transcripts: intron variant (10).
Genome position (GRCh38, 1-based): chr6:56,616,068, G>A on the plus strand (C>T on the coding strand, the complement: DST is on the minus strand). VCF-style: chr6-56616068-G-A. GRCh37 (hg19) VCF-style: chr6-56480866-G-A.
Other names: c.4831-1584C>T (NM_001144769.5); c.4930-1584C>T (NM_001374722.1, NM_001374736.1); c.4957-1584C>T (NM_001374734.1); c.4417-1584C>T (NM_001144770.2); c.4297-1584C>T (NM_001374730.1, NM_001386100.1, NM_183380.4 and 1 more transcripts); c.3319-1584C>T (NM_015548.5); short protein forms R2467C.
Identifiers: ClinVar variation 1026243 (VCV001026243.6), dbSNP rs140472004, ClinGen allele CA3869973.
Genomic context (GRCh38, chr6:56,616,068, plus strand): 5'-CTGTACTGACTTGGGCTTCAAGGCATCGGAGGGCAGTAATCCGATCAACCAAATTTCTAC[G>A]GGAGGCTTTTAGTACAGAGATCCTTTCCCCACTAGCAGTCAGCCAATACCCTGCAACAGG-3'
Protein context (NP_001714.1, residues 2457-2477): GERISVLKAS[Arg2467Cys]RNLVDRITAL